The following is an entry in ClinVar:

ClinVar aggregate classification (germline): Likely benign (0 of 4 stars; one submission).

Conditions:
EPPK1-related disorder. Also called: EPPK1-related condition.

Submission:

PreventionGenetics, part of Exact Sciences
Classification: Likely benign for EPPK1-related condition. Last evaluated: 2021-10-04. Review status: no assertion criteria provided. Collection method: clinical testing. Allele origin: germline.
Comment: This variant is classified as likely benign based on ACMG/AMP sequence variant interpretation guidelines (Richards et al. 2015 PMID: 25741868, with internal and published modifications).

NM_031308.4(EPPK1):c.1647C>G (p.Leu549=)

Gene: EPPK1 (epiplakin 1; minus strand). Cytogenetic location: 8q24.3.
Variant type: single nucleotide variant.
Coding change: c.1647C>G on transcript NM_031308.4 (MANE Select); coding-DNA position 1647, C replaced by G.
Protein change: p.Leu549=; no amino-acid change (leucine 549 retained).
Molecular consequence: synonymous variant.
Genome position (GRCh38, 1-based): chr8:143,871,607, G>C on the plus strand (C>G on the coding strand, the complement: EPPK1 is on the minus strand). VCF-style: chr8-143871607-G-C. GRCh37 (hg19) VCF-style: chr8-144945775-G-C.
Identifiers: ClinVar variation 3029658 (VCV003029658.2), dbSNP rs546928622, ClinGen allele CA4923301.